The following is an entry in ClinVar:

NM_022455.5(NSD1):c.5711C>G (p.Pro1904Arg)

Gene: NSD1 (nuclear receptor binding SET domain protein 1; plus strand). Cytogenetic location: 5q35.3.
Variant type: single nucleotide variant.
Coding change: c.5711C>G on transcript NM_022455.5 (MANE Select); coding-DNA position 5711, C replaced by G.
Protein change: p.Pro1904Arg; replaces proline 1904 with arginine.
Molecular consequence: missense variant.
Genome position (GRCh38, 1-based): chr5:177,280,653, C>G. VCF-style: chr5-177280653-C-G. GRCh37 (hg19) VCF-style: chr5-176707654-C-G.
Other names: c.4838C>G, p.Pro1613Arg (NM_001365684.2, NM_001409308.1, NM_001409309.1 and 1 more transcripts); c.5711C>G, p.Pro1904Arg (NM_001409301.1, NM_001409302.1, NM_001409303.1); c.5291C>G, p.Pro1764Arg (NM_001409304.1); c.4958C>G, p.Pro1653Arg (NM_001409305.1); c.4949C>G, p.Pro1650Arg (NM_001409306.1, NM_001409307.1); short protein forms P1613R, P1650R, P1653R, P1764R, P1904R.
Identifiers: ClinVar variation 3720671 (VCV003720671.2).
Genomic context (GRCh38, chr5:177,280,653, plus strand): 5'-TCTTCACTGCAGACTTATCTGAAATACCCCGTTGCAACTGTAAAGCTACTGATGAGAACC[C>G]CTGTGGGATAGACTCTGAATGCATCAACCGCATGCTGCTCTATGAGTGCCACCCCACAGT-3'
Protein context (NP_071900.2, residues 1894-1914): RCNCKATDEN[Pro1904Arg]CGIDSECINR

ClinVar aggregate classification (germline): Likely pathogenic (1 of 4 stars; one submission).

Submission:

Labcorp Genetics (formerly Invitae), Labcorp
Classification: Likely pathogenic. Last evaluated: 2023-02-16. Review status: criteria provided, single submitter. Criteria: Invitae Variant Classification Sherloc (09022015). Collection method: clinical testing. Allele origin: germline.
Comment: This sequence change replaces proline, which is neutral and non-polar, with arginine, which is basic and polar, at codon 1904 of the NSD1 protein (p.Pro1904Arg). This variant is not present in population databases (gnomAD no frequency). This missense change has been observed in individuals with clinical features of Sotos syndrome (PMID: 22924495; Invitae). Advanced modeling of protein sequence and biophysical properties (such as structural, functional, and spatial information, amino acid conservation, physicochemical variation, residue mobility, and thermodynamic stability) performed at Invitae indicates that this missense variant is expected to disrupt NSD1 protein function. In summary, the currently available evidence indicates that the variant is pathogenic, but additional data are needed to prove that conclusively. Therefore, this variant has been classified as Likely Pathogenic.

Literature cited by the submitters: PubMed 22924495.